The following is an entry in ClinVar:

ClinVar aggregate classification (germline): Uncertain significance. Review status: criteria provided, multiple submitters, no conflicts (2 of 4 stars). 2 submissions from 2 submitters: Uncertain significance (2). Last evaluated 2025-07-30.

Conditions:
Cardiovascular phenotype. Identifiers: MedGen CN230736.
Long QT syndrome (LQTS). Identifiers: MedGen C0023976, MeSH D008133, MONDO:0002442. Disease mechanism: loss of function. Inheritance: Various modes of inheritance.

Submissions (2):

Ambry Genetics
Classification: Uncertain significance for Cardiovascular phenotype. Last evaluated: 2025-07-30. Review status: criteria provided, single submitter. Criteria: Ambry Variant Classification Scheme 2023. Collection method: clinical testing. Allele origin: germline.
Comment: The c.1024_1026delGAA variant (also known as p.E342del) is located in coding exon 8 of the AKAP9 gene. This variant results from an in-frame GAA deletion at nucleotide positions 1024 to 1026. This results in the in-frame deletion of a glutamic acid at codon 342. This amino acid position is highly conserved in available vertebrate species. In addition, this variant is predicted to be deleterious by in silico analysis (Choi Y et al. PLoS ONE. 2012; 7(10):e46688). The evidence for this gene-disease relationship is limited; therefore, the clinical significance of this alteration is unclear.

Labcorp Genetics (formerly Invitae), Labcorp
Classification: Uncertain significance for Long QT syndrome. Last evaluated: 2024-12-23. Review status: criteria provided, single submitter. Criteria: Invitae Variant Classification Sherloc (09022015). Collection method: clinical testing. Allele origin: germline.
Comment: This variant, c.1024_1026del, results in the deletion of 1 amino acid(s) of the AKAP9 protein (p.Glu342del), but otherwise preserves the integrity of the reading frame. This variant is not present in population databases (gnomAD no frequency). This variant has not been reported in the literature in individuals affected with AKAP9-related conditions. Experimental studies and prediction algorithms are not available or were not evaluated, and the functional significance of this variant is currently unknown. In summary, the available evidence is currently insufficient to determine the role of this variant in disease. Therefore, it has been classified as a Variant of Uncertain Significance.

NM_005751.5(AKAP9):c.1018GAA[2] (p.Glu342del)

Gene: AKAP9 (A-kinase anchoring protein 9; plus strand). Cytogenetic location: 7q21.2.
Variant type: Microsatellite.
Coding change: c.1018GAA[2] on transcript NM_005751.5 (MANE Select); two copies in a row of the 3-base unit GAA starting at c.1018; the reference has three copies in a row; one copy, 3 bases deleted.
Protein change: p.Glu342del; deletes glutamic acid 342.
Molecular consequence: inframe deletion. On other transcripts: inframe indel (1).
Genome position (GRCh38, 1-based): chr7:92,000,941-92,000,943, GAA deleted; deleting any 3 consecutive bases within chr7:92,000,934-92,000,943 gives the same sequence; the position shown is the placement nearest the transcript's 3' end. VCF-style (leftmost placement, unchanged base first): chr7-92000933-TAGA-T. GRCh37 (hg19) VCF-style: chr7-91630247-TAGA-T.
Other names: c.1024_1026delGAA (NM_005751.4); c.1018_1020GAA[2], p.Glu342del (NM_005751.4); c.1018GAA[2], p.Glu342del (NM_147185.3); short protein forms E342del.
Identifiers: ClinVar variation 3624249 (VCV003624249.3).